The following is an entry in ClinVar:

NM_015272.5(RPGRIP1L):c.1477C>T (p.Arg493Cys)

Gene: RPGRIP1L (RPGRIP1 like; minus strand). Cytogenetic location: 16q12.2.
Variant type: single nucleotide variant.
Coding change: c.1477C>T on transcript NM_015272.5 (MANE Select); coding-DNA position 1477, C replaced by T.
Protein change: p.Arg493Cys; replaces arginine 493 with cysteine.
Molecular consequence: missense variant.
Genome position (GRCh38, 1-based): chr16:53,657,557, G>A on the plus strand (C>T on the coding strand, the complement: RPGRIP1L is on the minus strand). VCF-style: chr16-53657557-G-A. GRCh37 (hg19) VCF-style: chr16-53691469-G-A.
Other names: c.1477C>T, p.Arg493Cys (NM_001127897.4, NM_001308334.3, NM_001330538.2); short protein forms R493C.
Identifiers: ClinVar variation 3357638 (VCV003357638.1).

ClinVar aggregate classification (germline): Uncertain significance (0 of 4 stars; one submission).

Conditions:
RPGRIP1L-related disorder. Also called: RPGRIP1L-related condition; RPGRIP1L-related disorders. Identifiers: MedGen CN239416.

gnomAD v4.1: 24 of 1,602,900 alleles (0.0015%); highest among the groups gnomAD compares: Middle Eastern, 0.017%; no homozygotes.

Submission:

PreventionGenetics, part of Exact Sciences
Classification: Uncertain significance for RPGRIP1L-related condition. Last evaluated: 2024-07-02. Review status: no assertion criteria provided. Collection method: clinical testing. Allele origin: germline.
Comment: The RPGRIP1L c.1477C>T variant is predicted to result in the amino acid substitution p.Arg493Cys. To our knowledge, this variant has not been reported in the literature. This variant is reported in 0.025% of alleles in individuals of East Asian descent in gnomAD. At this time, the clinical significance of this variant is uncertain due to the absence of conclusive functional and genetic evidence.